The following is an entry in ClinVar:

NM_000327.4(ROM1):c.952A>T (p.Met318Leu)

Gene: ROM1 (retinal outer segment membrane protein 1; plus strand). Cytogenetic location: 11q12.3.
Variant type: single nucleotide variant.
Coding change: c.952A>T on transcript NM_000327.4 (MANE Select); coding-DNA position 952, A replaced by T.
Protein change: p.Met318Leu; replaces methionine 318 with leucine.
Molecular consequence: missense variant.
Genome position (GRCh38, 1-based): chr11:62,614,735, A>T. VCF-style: chr11-62614735-A-T. GRCh37 (hg19) VCF-style: chr11-62382207-A-T.
Other names: c.952A>T (NM_000327.3); short protein forms M318L.
Identifiers: ClinVar variation 1018549 (VCV001018549.10), dbSNP rs766941918, ClinGen allele CA6049886.

ClinVar aggregate classification (germline): Conflicting classifications of pathogenicity. Review status: criteria provided, conflicting classifications (1 of 4 stars). 3 submissions from 3 submitters: Uncertain significance (2); Likely benign (1). Last evaluated 2026-01-05.

Allele frequency attached by ClinVar (database versions not stated): gnomAD exomes below 0.00001; TOPMed 0.00001; ExAC 0.00002; gnomAD 0.00005.

Submissions (3):

Labcorp Genetics (formerly Invitae), Labcorp
Classification: Uncertain significance. Last evaluated: 2026-01-05. Review status: criteria provided, single submitter. Criteria: Invitae Variant Classification Sherloc (09022015). Collection method: clinical testing. Allele origin: germline.
Comment: This sequence change replaces methionine, which is neutral and non-polar, with leucine, which is neutral and non-polar, at codon 318 of the ROM1 protein (p.Met318Leu). This variant is present in population databases (rs766941918, gnomAD 0.01%). This variant has not been reported in the literature in individuals affected with ROM1-related conditions. ClinVar contains an entry for this variant (Variation ID: 1018549). Invitae Evidence Modeling of protein sequence and biophysical properties (such as structural, functional, and spatial information, amino acid conservation, physicochemical variation, residue mobility, and thermodynamic stability) indicates that this missense variant is not expected to disrupt ROM1 protein function with a negative predictive value of 80%. In summary, the available evidence is currently insufficient to determine the role of this variant in disease. Therefore, it has been classified as a Variant of Uncertain Significance.

Blueprint Genetics
Classification: Likely benign. Last evaluated: 2024-11-01. Review status: criteria provided, single submitter. Criteria: ACMG Guidelines, 2015. Collection method: clinical testing. Allele origin: germline.

Ambry Genetics
Classification: Uncertain significance. Last evaluated: 2024-01-04. Review status: criteria provided, single submitter. Criteria: Ambry Variant Classification Scheme 2023. Collection method: clinical testing. Allele origin: germline.